The following is an entry in ClinVar:

ClinVar aggregate classification (germline): Uncertain significance. Review status: criteria provided, multiple submitters, no conflicts (2 of 4 stars). 4 submissions from 4 submitters: Uncertain significance (4). Last evaluated 2023-11-28.

Conditions:
Hereditary cancer-predisposing syndrome. Also called: Neoplastic Syndromes, Hereditary; Hereditary Cancer Syndrome; Hereditary neoplastic syndrome; Tumor predisposition. Identifiers: Orphanet 140162, MedGen C0027672, MeSH D009386, MONDO:0015356.
Peutz-Jeghers syndrome (PJS). Also called: POLYPOSIS, HAMARTOMATOUS INTESTINAL; POLYPS-AND-SPOTS SYNDROME; Peutz-Jeghers polyposis; Periorificial lentiginosis syndrome. Identifiers: Orphanet 2869, MedGen C0031269, MeSH D010580, MONDO:0008280, OMIM 175200.

Allele frequency attached by ClinVar (database versions not stated): gnomAD exomes below 0.00001.

Submissions (4):

Ambry Genetics
Classification: Uncertain significance for Hereditary cancer-predisposing syndrome. Last evaluated: 2023-11-28. Review status: criteria provided, single submitter. Criteria: Ambry Variant Classification Scheme 2023. Collection method: clinical testing. Allele origin: germline.
Comment: The p.M127V variant (also known as c.379A>G), located in coding exon 3 of the STK11 gene, results from an A to G substitution at nucleotide position 379. The methionine at codon 127 is replaced by valine, an amino acid with highly similar properties. This amino acid position is highly conserved in available vertebrate species. In addition, the in silico prediction for this alteration is inconclusive. Since supporting evidence is limited at this time, the clinical significance of this alteration remains unclear.

Genome-Nilou Lab
Classification: Uncertain significance for Peutz-Jeghers syndrome. Last evaluated: 2021-07-15. Review status: criteria provided, single submitter. Criteria: ACMG Guidelines, 2015. Collection method: clinical testing. Allele origin: germline. Affected: no.

Department of Pathology and Laboratory Medicine, Sinai Health System
Classification: Uncertain significance for Peutz-Jeghers syndrome. Last evaluated: 2021-05-20. Review status: criteria provided, single submitter. Criteria: ACMG Guidelines, 2015. Collection method: clinical testing. Allele origin: germline. Affected: yes.

Labcorp Genetics (formerly Invitae), Labcorp
Classification: Uncertain significance for Peutz-Jeghers syndrome. Last evaluated: 2018-12-13. Review status: criteria provided, single submitter. Criteria: Invitae Variant Classification Sherloc (09022015). Collection method: clinical testing. Allele origin: germline.
Comment: This sequence change replaces methionine with valine at codon 127 of the STK11 protein (p.Met127Val). The methionine residue is moderately conserved and there is a small physicochemical difference between methionine and valine. This variant is not present in population databases (ExAC no frequency). This variant has not been reported in the literature in individuals with STK11-related conditions. Algorithms developed to predict the effect of missense changes on protein structure and function (SIFT, PolyPhen-2, Align-GVGD) all suggest that this variant is likely to be tolerated, but these predictions have not been confirmed by published functional studies and their clinical significance is uncertain. In summary, the available evidence is currently insufficient to determine the role of this variant in disease. Therefore, it has been classified as a Variant of Uncertain Significance.

NM_000455.5(STK11):c.379A>G (p.Met127Val)

Gene: STK11 (serine/threonine kinase 11; plus strand). Cytogenetic location: 19p13.3.
Variant type: single nucleotide variant.
Coding change: c.379A>G on transcript NM_000455.5 (MANE Select); coding-DNA position 379, A replaced by G.
Protein change: p.Met127Val; replaces methionine 127 with valine.
Molecular consequence: missense variant.
Genome position (GRCh38, 1-based): chr19:1,219,328, A>G. VCF-style: chr19-1219328-A-G. GRCh37 (hg19) VCF-style: chr19-1219327-A-G.
Other names: short protein forms M127V.
Identifiers: ClinVar variation 646116 (VCV000646116.16), dbSNP rs1599925292, ClinGen allele CA402948091.